The following is an entry in ClinVar:

ClinVar aggregate classification (germline): Likely benign (0 of 4 stars; one submission).

Conditions:
FBXW7-related disorder. Also called: FBXW7-related disorders; FBXW7-related condition.

Allele frequency attached by ClinVar (database versions not stated): gnomAD 0.00003; ExAC 0.00010; 1000 Genomes Project 30x 0.00016; 1000 Genomes Project 0.00020.
gnomAD v4.1: 57 of 1,547,442 alleles (0.0037%); highest among the groups gnomAD compares: South Asian, 0.066%; 1 homozygote.

Submission:

PreventionGenetics, part of Exact Sciences
Classification: Likely benign for FBXW7-related condition. Last evaluated: 2019-02-21. Review status: no assertion criteria provided. Collection method: clinical testing. Allele origin: germline.
Comment: This variant is classified as likely benign based on ACMG/AMP sequence variant interpretation guidelines (Richards et al. 2015 PMID: 25741868, with internal and published modifications).

NM_001349798.2(FBXW7):c.501+29106C>A

Gene: FBXW7 (F-box and WD repeat domain containing 7; minus strand). Cytogenetic location: 4q31.3.
Variant type: single nucleotide variant.
Coding change: c.501+29106C>A on transcript NM_001349798.2 (MANE Select); 29106 bases into the intron after coding-DNA position 501, C replaced by A.
Molecular consequence: intron variant. On other transcripts: synonymous variant (1).
Genome position (GRCh38, 1-based): chr4:152,382,197, G>T on the plus strand (C>A on the coding strand, the complement: FBXW7 is on the minus strand). VCF-style: chr4-152382197-G-T. GRCh37 (hg19) VCF-style: chr4-153303349-G-T.
Other names: c.139C>A, p.Arg47= (NM_001013415.2); c.501+29106C>A (NM_033632.3).
Identifiers: ClinVar variation 3046999 (VCV003046999.2), dbSNP rs563955228, ClinGen allele CA3106467.